The following is an entry in ClinVar:

NM_000179.3(MSH6):c.2254G>A (p.Gly752Ser)

Gene: MSH6 (mutS homolog 6; plus strand). Cytogenetic location: 2p16.3.
Variant type: single nucleotide variant.
Coding change: c.2254G>A on transcript NM_000179.3 (MANE Select); coding-DNA position 2254, G replaced by A.
Protein change: p.Gly752Ser; replaces glycine 752 with serine.
Molecular consequence: missense variant.
Genome position (GRCh38, 1-based): chr2:47,800,237, G>A. VCF-style: chr2-47800237-G-A. GRCh37 (hg19) VCF-style: chr2-48027376-G-A.
Other names: c.1864G>A, p.Gly622Ser (NM_001281492.2); c.1348G>A, p.Gly450Ser (NM_001281493.2, NM_001281494.2); short protein forms G752S, G450S, G622S.
Identifiers: ClinVar variation 924360 (VCV000924360.8), dbSNP rs1296033854, ClinGen allele CA346752701.

ClinVar aggregate classification (germline): Conflicting classifications of pathogenicity. Review status: criteria provided, conflicting classifications (1 of 4 stars). 4 submissions from 4 submitters: Uncertain significance (3); Likely benign (1). Last evaluated 2025-02-18.

Conditions:
Hereditary cancer-predisposing syndrome. Also called: Neoplastic Syndromes, Hereditary; Tumor predisposition; Hereditary Cancer Syndrome; Hereditary neoplastic syndrome. Identifiers: Orphanet 140162, MedGen C0027672, MeSH D009386, MONDO:0015356.
Endometrial carcinoma. Also called: Endometrial carcinoma, somatic. Identifiers: MedGen C0476089, MONDO:0002447, OMIM 608089, HP:0012114.
Hereditary nonpolyposis colorectal neoplasms. Identifiers: MedGen C0009405, MeSH D003123.
Lynch syndrome. Identifiers: Orphanet 144, MedGen C4552100, MONDO:0005835. Disease mechanism: loss of function.

Allele frequency attached by ClinVar (database versions not stated): gnomAD exomes below 0.00001.
gnomAD v4.1: 2 of 1,614,160 alleles (0.00012%); highest among the groups gnomAD compares: South Asian, 0.0022%; no homozygotes.

Submissions (4):

Labcorp Genetics (formerly Invitae), Labcorp
Classification: Likely benign for Hereditary nonpolyposis colorectal neoplasms. Last evaluated: 2025-02-18. Review status: criteria provided, single submitter. Criteria: Invitae Variant Classification Sherloc (09022015). Collection method: clinical testing. Allele origin: germline.

All of Us Research Program, National Institutes of Health
Classification: Uncertain significance for Lynch syndrome. Last evaluated: 2024-04-16. Review status: criteria provided, single submitter. Criteria: ACMG Guidelines, 2015. Collection method: clinical testing. Allele origin: germline. Inheritance: Autosomal dominant inheritance. Observed: 1 variant allele, 1 heterozygote.
Comment: This missense variant replaces glycine with serine at codon 752 of the MSH6 protein. Computational prediction tools and conservation analyses suggest that this variant may have deleterious impact on the protein function. Computational splicing tools suggest that this variant may not impact RNA splicing. To our knowledge, functional assays have not been performed for this variant nor has this variant been reported in individuals affected with hereditary cancer in the literature. This variant has been identified in 1/251000 chromosomes in the general population by the Genome Aggregation Database (gnomAD). Available evidence is insufficient to determine the role of this variant in disease conclusively. Therefore, this variant is classified as a Variant of Uncertain Significance.

This study involves interpretation of variants in research participants for the purpose of population health screening. Participant phenotype was not available at the time of variant classification. Additional details can be found in publication PMID: 35346344, PMCID: PMC8962531

Color Diagnostics, LLC DBA Color Health
Classification: Uncertain significance for Hereditary cancer-predisposing syndrome. Last evaluated: 2023-12-05. Review status: criteria provided, single submitter. Criteria: ACMG Guidelines, 2015. Collection method: clinical testing. Allele origin: germline.
Comment: This missense variant replaces glycine with serine at codon 752 of the MSH6 protein. Computational prediction tools and conservation analyses suggest that this variant may have deleterious impact on the protein function. Computational splicing tools suggest that this variant may not impact RNA splicing. To our knowledge, functional assays have not been performed for this variant nor has this variant been reported in individuals affected with hereditary cancer in the literature. This variant has been identified in 1/251000 chromosomes in the general population by the Genome Aggregation Database (gnomAD). Available evidence is insufficient to determine the role of this variant in disease conclusively. Therefore, this variant is classified as a Variant of Uncertain Significance.

Baylor Genetics
Classification: Uncertain significance for Endometrial carcinoma. Last evaluated: 2023-01-23. Review status: criteria provided, single submitter. Criteria: ACMG Guidelines, 2015. Collection method: clinical testing. Allele origin: unknown.